The following is an entry in ClinVar:

NM_032217.5(ANKRD17):c.3695C>T (p.Ala1232Val)

Gene: ANKRD17 (ankyrin repeat domain 17; minus strand). Cytogenetic location: 4q13.3.
Variant type: single nucleotide variant.
Coding change: c.3695C>T on transcript NM_032217.5 (MANE Select); coding-DNA position 3695, C replaced by T.
Protein change: p.Ala1232Val; replaces alanine 1232 with valine.
Molecular consequence: missense variant.
Genome position (GRCh38, 1-based): chr4:73,121,035, G>A on the plus strand (C>T on the coding strand, the complement: ANKRD17 is on the minus strand). VCF-style: chr4-73121035-G-A. GRCh37 (hg19) VCF-style: chr4-73986752-G-A.
Other names: c.3356C>T, p.Ala1119Val (NM_001286771.3); c.3692C>T, p.Ala1231Val (NM_015574.2); c.2942C>T, p.Ala981Val (NM_198889.3); c.3695C>T (NM_032217.4); short protein forms A1119V, A1231V, A1232V, A981V.
Identifiers: ClinVar variation 3777115 (VCV003777115.1).
Genomic context (GRCh38, chr4:73,121,035, plus strand): 5'-CGATTGGTTTCTATCTGAGCATTTATGTCAGAGCCCATGTCTAACAGGAGCTTAACAGCA[G>A]CTGTATGCCCATTCATAGCTGCTAACATCAGAGGAGAGATGCCCAATTTGCTACCAGTTC-3'
Protein context (NP_115593.3, residues 1222-1242): LMLAAMNGHT[Ala1232Val]AVKLLLDMGS

ClinVar aggregate classification (germline): Uncertain significance (1 of 4 stars; one submission).

Conditions:
Chopra-Amiel-Gordon syndrome (CAGS). Also called: ANKRD17-Related Neurodevelopmental Syndrome. Identifiers: MedGen C5561975, MONDO:0859186, OMIM 619504.

gnomAD v4.1: 1 of 1,613,922 alleles (0.000062%); highest among the groups gnomAD compares: Non-Finnish European, 0.000085%; no homozygotes.

Submission:

University of Washington Department of Laboratory Medicine, University of Washington
Classification: Uncertain significance for Chopra-Amiel-Gordon syndrome. Last evaluated: 2022-11-02. Review status: criteria provided, single submitter. Criteria: ACMG Guidelines, 2015. Collection method: clinical testing. Allele origin: unknown. Affected: yes.
Comment: The p.Ala1232Val variant in the ANKRD17 gene has not been previously reported in association with disease. This variant was absent from large population databases, including the Genome Aggregation Database. The p.Ala1232Val is located within one of the twenty-five ankyrin repeat domains of the ANKRD17 gene. Disease-causing missense variants have been previously described within other ankyrin repeat domains of the ANKRD17 protein. The ANKRD17 gene has fewer missense variants in the general population than expected. A low rate of missense variation may suggest that this gene is intolerant to missense variation. In silico tools do not consistently predict if the p.Ala1232Val variant impacts protein function; however, these predictions have not been tested directly. Using ACMG guidelines, this variant was classified as a variant of uncertain significance (ACMG evidence codes used: PM1_supporting, PM2_supporting, PP2).